The following is an entry in ClinVar:

ClinVar aggregate classification (germline): Likely benign. Review status: criteria provided, multiple submitters, no conflicts (2 of 4 stars). 2 submissions from 2 submitters: Likely benign (2). Last evaluated 2025-06-01.

gnomAD v4.1: 7,437 of 1,452,660 alleles (0.51%); highest among the groups gnomAD compares: Middle Eastern, 0.84%; 36 homozygotes.

Submissions (2):

CeGaT Center for Human Genetics Tuebingen
Classification: Likely benign. Last evaluated: 2025-06-01. Review status: criteria provided, single submitter. Criteria: CeGaT Center For Human Genetics Tuebingen Variant Classification Criteria Version 2. Collection method: clinical testing. Allele origin: germline. Affected: yes. Observed: 1 variant allele.
Comment: JPH3: BS2

Blueprint Genetics
Classification: Likely benign. Last evaluated: 2024-11-19. Review status: criteria provided, single submitter. Criteria: ACMG Guidelines, 2015. Collection method: clinical testing. Allele origin: germline.

NM_020655.4(JPH3):c.1602G>C (p.Glu534Asp)

Gene: JPH3 (junctophilin 3; plus strand). Cytogenetic location: 16q24.2.
Variant type: single nucleotide variant.
Coding change: c.1602G>C on transcript NM_020655.4 (MANE Select); coding-DNA position 1602, G replaced by C.
Protein change: p.Glu534Asp; replaces glutamic acid 534 with aspartic acid.
Molecular consequence: missense variant. On other transcripts: non-coding transcript variant (1).
Genome position (GRCh38, 1-based): chr16:87,689,962, G>C. VCF-style: chr16-87689962-G-C. GRCh37 (hg19) VCF-style: chr16-87723568-G-C.
Other names: short protein forms E534D.
Identifiers: ClinVar variation 4083625 (VCV004083625.9).